The following is an entry in ClinVar:

NM_001376.5(DYNC1H1):c.11941+6C>T

Gene: DYNC1H1 (dynein cytoplasmic 1 heavy chain 1; plus strand). Cytogenetic location: 14q32.31.
Variant type: single nucleotide variant.
Coding change: c.11941+6C>T on transcript NM_001376.5 (MANE Select); 6 bases into the intron after coding-DNA position 11941, C replaced by T.
Molecular consequence: intron variant.
Genome position (GRCh38, 1-based): chr14:102,040,679, C>T. VCF-style: chr14-102040679-C-T. GRCh37 (hg19) VCF-style: chr14-102507016-C-T.
Identifiers: ClinVar variation 1517868 (VCV001517868.6), dbSNP rs2048638511, ClinGen allele CA2159624539.

ClinVar aggregate classification (germline): Uncertain significance (1 of 4 stars; one submission).

Conditions:
Charcot-Marie-Tooth disease axonal type 2O. Also called: CHARCOT-MARIE-TOOTH NEUROPATHY, AXONAL, TYPE 2O; CHARCOT-MARIE-TOOTH DISEASE, AXONAL, AUTOSOMAL DOMINANT, TYPE 2O; Charcot-Marie-Tooth disease, axonal, type 20; Charcot-Marie-Tooth Neuropathy Type 2O. Identifiers: Orphanet 284232, MedGen C3280220, MONDO:0013644, OMIM 614228.

Allele frequency attached by ClinVar (database versions not stated): TOPMed 0.00001.

Submission:

Labcorp Genetics (formerly Invitae), Labcorp
Classification: Uncertain significance for Charcot-Marie-Tooth disease axonal type 2O. Last evaluated: 2025-09-15. Review status: criteria provided, single submitter. Criteria: Invitae Variant Classification Sherloc (09022015). Collection method: clinical testing. Allele origin: germline.
Comment: This sequence change falls in intron 64 of the DYNC1H1 gene. It does not directly change the encoded amino acid sequence of the DYNC1H1 protein. It affects a nucleotide within the consensus splice site. This variant is not present in population databases (gnomAD no frequency). This variant has not been reported in the literature in individuals affected with DYNC1H1-related conditions. ClinVar contains an entry for this variant (Variation ID: 1517868). Variants that disrupt the consensus splice site are a relatively common cause of aberrant splicing (PMID: 17576681, 9536098). Algorithms developed to predict the effect of sequence changes on RNA splicing suggest that this variant is not likely to affect RNA splicing. In summary, the available evidence is currently insufficient to determine the role of this variant in disease. Therefore, it has been classified as a Variant of Uncertain Significance.

Literature cited by the submitters: PubMed 17576681; PubMed 9536098.